The following is an entry in ClinVar:

NM_005751.5(AKAP9):c.10254G>C (p.Gln3418His)

Gene: AKAP9 (A-kinase anchoring protein 9; plus strand). Cytogenetic location: 7q21.2.
Variant type: single nucleotide variant.
Coding change: c.10254G>C on transcript NM_005751.5 (MANE Select); coding-DNA position 10254, G replaced by C.
Protein change: p.Gln3418His; replaces glutamine 3418 with histidine.
Molecular consequence: missense variant.
Genome position (GRCh38, 1-based): chr7:92,097,213, G>C. VCF-style: chr7-92097213-G-C. GRCh37 (hg19) VCF-style: chr7-91726527-G-C.
Other names: p.Q3418H:CAG>CAC; c.4899G>C, p.Gln1633His (NM_001379277.1); c.10230G>C, p.Gln3410His (NM_147185.3); short protein forms Q3418H, Q3410H, Q1633H.
Identifiers: ClinVar variation 190512 (VCV000190512.63), dbSNP rs61757663, ClinGen allele CA235643.

ClinVar aggregate classification (germline): Benign/Likely benign. Review status: criteria provided, multiple submitters, no conflicts (2 of 4 stars). 11 submissions from 11 submitters: Benign (1); Likely benign (7). 3 of the submissions do not count toward it. Last evaluated 2026-05-01.

Conditions:
AKAP9-related disorder. Also called: AKAP9-related condition.
Cardiovascular phenotype. Identifiers: MedGen CN230736.
Long QT syndrome (LQTS). Identifiers: MedGen C0023976, MeSH D008133, MONDO:0002442. Disease mechanism: loss of function. Inheritance: Various modes of inheritance.
Long QT syndrome 11 (LQT11). Identifiers: Orphanet 101016, Orphanet 768, MedGen C2678483, MONDO:0012738, OMIM 611820.

Allele frequency attached by ClinVar (database versions not stated): 1000 Genomes Project 30x 0.00047; 1000 Genomes Project 0.00060; gnomAD 0.00064 and 0.00065; TOPMed 0.00065; gnomAD exomes 0.00073 and 0.00104; ExAC 0.00088; ESP Exome Variant Server 0.00115.
gnomAD v4.1: 1,599 of 1,612,664 alleles (0.099%); highest among the groups gnomAD compares: Non-Finnish European, 0.12%; 2 homozygotes.

Submissions (11):

CeGaT Center for Human Genetics Tuebingen
Classification: Benign. Last evaluated: 2026-05-01. Review status: criteria provided, single submitter. Criteria: CeGaT Center For Human Genetics Tuebingen Variant Classification Criteria Version 2. Collection method: clinical testing. Allele origin: germline. Affected: yes. Observed: 5 variant alleles.
Comment: AKAP9: BP4, BS1, BS2

Labcorp Genetics (formerly Invitae), Labcorp
Classification: Likely benign for Long QT syndrome. Last evaluated: 2026-01-27. Review status: criteria provided, single submitter. Criteria: Invitae Variant Classification Sherloc (09022015). Collection method: clinical testing. Allele origin: germline.

PreventionGenetics, part of Exact Sciences
Classification: Likely benign for AKAP9-related condition. Last evaluated: 2025-06-27. Review status: criteria provided, single submitter. Criteria: ACMG Guidelines, 2015. Collection method: clinical testing. Allele origin: germline.
Comment: This variant is classified as likely benign based on ACMG/AMP sequence variant interpretation guidelines (Richards et al. 2015 PMID: 25741868, with internal and published modifications).

Blueprint Genetics
Classification: Likely benign. Last evaluated: 2024-11-19. Review status: criteria provided, single submitter. Criteria: ACMG Guidelines, 2015. Collection method: clinical testing. Allele origin: germline.

ARUP Laboratories, Molecular Genetics and Genomics, ARUP Laboratories
Classification: Likely benign for Long QT syndrome 11. Last evaluated: 2023-10-20. Review status: criteria provided, single submitter. Criteria: ARUP Molecular Germline Variant Investigation Process 2024. Collection method: clinical testing. Allele origin: germline.

Ambry Genetics
Classification: Likely benign for Cardiovascular phenotype. Last evaluated: 2018-05-16. Review status: criteria provided, single submitter. Criteria: Ambry Variant Classification Scheme 2023. Collection method: clinical testing. Allele origin: germline.

Biesecker Lab/Clinical Genomics Section, National Institutes of Health
Classification: Likely benign. Last evaluated: 2013-06-24. Review status: criteria provided, single submitter. Criteria: Ng et al. (Circ Cardiovasc Genet. 2013). Collection method: research. Allele origin: unknown. Observed: 3 variant alleles. Study: ClinSeq.
Comment: The study set was not selected for affection status in relation to any cancer. Pathogenicity categories were based on literature curation. See Pubmed ID:23861362 for details.

Medical sequencing

GeneDx
Classification: Likely benign. Last evaluated: 2011-08-23. Review status: criteria provided, single submitter. Criteria: GeneDx Variant Classification (06012015). Collection method: clinical testing. Allele origin: germline. Affected: yes.
Comment: This variant is considered likely benign or benign based on one or more of the following criteria: it is a conservative change, it occurs at a poorly conserved position in the protein, it is predicted to be benign by multiple in silico algorithms, and/or has population frequency not consistent with disease.

Clinical Genetics, Academic Medical Center
Classification: Likely benign. Review status: no assertion criteria provided. Collection method: clinical testing. Allele origin: germline. Affected: yes. Study: VKGL Data-share Consensus. Not counted in ClinVar's aggregate classification.

Genome Diagnostics Laboratory, University Medical Center Utrecht
Classification: Likely benign. Review status: no assertion criteria provided. Collection method: clinical testing. Allele origin: germline. Affected: yes. Study: VKGL Data-share Consensus. Not counted in ClinVar's aggregate classification.

Joint Genome Diagnostic Labs from Nijmegen and Maastricht, Radboudumc and MUMC+
Classification: Likely benign. Review status: no assertion criteria provided. Collection method: clinical testing. Allele origin: germline. Affected: yes. Study: VKGL Data-share Consensus. Not counted in ClinVar's aggregate classification.

Literature cited by the submitters: PubMed 23861362 (cited by Ambry Genetics).